The following is an entry in ClinVar:

NM_005670.4(EPM2A):c.706A>G (p.Met236Val)

Gene: EPM2A (EPM2A glucan phosphatase, laforin; minus strand). Cytogenetic location: 6q24.3.
Variant type: single nucleotide variant.
Coding change: c.706A>G on transcript NM_005670.4 (MANE Select); coding-DNA position 706, A replaced by G.
Protein change: p.Met236Val; replaces methionine 236 with valine.
Molecular consequence: missense variant. On other transcripts: intron variant (1).
Genome position (GRCh38, 1-based): chr6:145,635,257, T>C on the plus strand (A>G on the coding strand, the complement: EPM2A is on the minus strand). VCF-style: chr6-145635257-T-C. GRCh37 (hg19) VCF-style: chr6-145956393-T-C.
Other names: c.706A>G, p.Met236Val (NM_001018041.2, NM_001368130.1); c.292A>G, p.Met98Val (NM_001360064.2, NM_001360071.2, NM_001368131.1); c.244A>G, p.Met82Val (NM_001368129.2, NM_001368132.1); c.477-7564A>G (NM_001360057.2); short protein forms M236V, M82V, M98V.
Identifiers: ClinVar variation 531807 (VCV000531807.7), dbSNP rs906096146, ClinGen allele CA149184177.

ClinVar aggregate classification (germline): Uncertain significance. Review status: criteria provided, multiple submitters, no conflicts (2 of 4 stars). 2 submissions from 2 submitters: Uncertain significance (2). Last evaluated 2023-12-11.

Conditions:
Progressive myoclonic epilepsy. Also called: Myoclonic Epilepsies, Progressive; Myoclonus epilepsy; Familial progressive myoclonic epilepsy; Progressive myoclonus epilepsy. Identifiers: Orphanet 308, Orphanet 98261, MedGen C0751778, MONDO:0020074.

gnomAD v4.1: 2 of 1,614,172 alleles (0.00012%); highest among the groups gnomAD compares: South Asian, 0.0022%; no homozygotes.

Submissions (2):

GeneDx
Classification: Uncertain significance. Last evaluated: 2023-12-11. Review status: criteria provided, single submitter. Criteria: GeneDx Variant Classification Process June 2021. Collection method: clinical testing. Allele origin: germline. Affected: yes.
Comment: Not observed at significant frequency in large population cohorts (gnomAD); In silico analysis supports that this missense variant does not alter protein structure/function; Has not been previously published as pathogenic or benign to our knowledge

Labcorp Genetics (formerly Invitae), Labcorp
Classification: Uncertain significance for Progressive myoclonic epilepsy. Last evaluated: 2021-08-13. Review status: criteria provided, single submitter. Criteria: Invitae Variant Classification Sherloc (09022015). Collection method: clinical testing. Allele origin: germline.
Comment: This sequence change replaces methionine with valine at codon 236 of the EPM2A protein (p.Met236Val). The methionine residue is highly conserved and there is a small physicochemical difference between methionine and valine. This variant is not present in population databases (ExAC no frequency). This variant has not been reported in the literature in individuals affected with EPM2A-related conditions. Algorithms developed to predict the effect of missense changes on protein structure and function are either unavailable or do not agree on the potential impact of this missense change (SIFT: "Deleterious"; PolyPhen-2: "Possibly Damaging"; Align-GVGD: "Class C15"). Algorithms developed to predict the effect of sequence changes on RNA splicing suggest that this variant may create or strengthen a splice site. In summary, the available evidence is currently insufficient to determine the role of this variant in disease. Therefore, it has been classified as a Variant of Uncertain Significance.